The following is an entry in ClinVar:

ClinVar aggregate classification (germline): Uncertain significance (1 of 4 stars; one submission).

Conditions:
Inborn genetic diseases. Identifiers: MedGen C0950123, MeSH D030342.

Submission:

Ambry Genetics
Classification: Uncertain significance for Inborn genetic diseases. Last evaluated: 2025-03-28. Review status: criteria provided, single submitter. Criteria: Ambry Variant Classification Scheme 2023. Collection method: clinical testing. Allele origin: germline.
Comment: The p.S852A variant (also known as c.2554T>G), located in coding exon 27 of the FANCA gene, results from a T to G substitution at nucleotide position 2554. The serine at codon 852 is replaced by alanine, an amino acid with similar properties. This amino acid position is conserved. In addition, this alteration is predicted to be tolerated by in silico analysis. Based on the available evidence, the clinical significance of this variant remains unclear.

NM_000135.4(FANCA):c.2554T>G (p.Ser852Ala)

Gene: FANCA (FA complementation group A; minus strand). Cytogenetic location: 16q24.3.
Variant type: single nucleotide variant.
Coding change: c.2554T>G on transcript NM_000135.4 (MANE Select); coding-DNA position 2554, T replaced by G.
Protein change: p.Ser852Ala; replaces serine 852 with alanine.
Molecular consequence: missense variant.
Genome position (GRCh38, 1-based): chr16:89,767,188, A>C on the plus strand (T>G on the coding strand, the complement: FANCA is on the minus strand). VCF-style: chr16-89767188-A-C. GRCh37 (hg19) VCF-style: chr16-89833596-A-C.
Other names: c.2554T>G, p.Ser852Ala (NM_001286167.3); short protein forms S852A.
Identifiers: ClinVar variation 4022121 (VCV004022121.1).